The following is an entry in ClinVar:

NM_024928.5(STN1):c.876+6A>G

Gene: STN1 (STN1 subunit of CST complex; minus strand). Cytogenetic location: 10q24.33.
Variant type: single nucleotide variant.
Coding change: c.876+6A>G on transcript NM_024928.5 (MANE Select); 6 bases into the intron after coding-DNA position 876, A replaced by G.
Molecular consequence: intron variant.
Genome position (GRCh38, 1-based): chr10:103,892,124, T>C on the plus strand (A>G on the coding strand, the complement: STN1 is on the minus strand). VCF-style: chr10-103892124-T-C. GRCh37 (hg19) VCF-style: chr10-105651882-T-C.
Identifiers: ClinVar variation 2015763 (VCV002015763.4), dbSNP rs2134361009, ClinGen allele CA2574659887.

ClinVar aggregate classification (germline): Uncertain significance (1 of 4 stars; one submission).

Submission:

Labcorp Genetics (formerly Invitae), Labcorp
Classification: Uncertain significance. Last evaluated: 2023-07-07. Review status: criteria provided, single submitter. Criteria: Invitae Variant Classification Sherloc (09022015). Collection method: clinical testing. Allele origin: germline.
Comment: This sequence change falls in intron 8 of the STN1 gene. It does not directly change the encoded amino acid sequence of the STN1 protein. It affects a nucleotide within the consensus splice site. This variant is not present in population databases (gnomAD no frequency). This variant has not been reported in the literature in individuals affected with STN1-related conditions. ClinVar contains an entry for this variant (Variation ID: 2015763). Variants that disrupt the consensus splice site are a relatively common cause of aberrant splicing (PMID: 17576681, 9536098). Algorithms developed to predict the effect of sequence changes on RNA splicing suggest that this variant is not likely to affect RNA splicing. In summary, the available evidence is currently insufficient to determine the role of this variant in disease. Therefore, it has been classified as a Variant of Uncertain Significance.

Literature cited by the submitters: PubMed 17576681; PubMed 9536098.